The following is an entry in ClinVar:

NM_172107.4(KCNQ2):c.482T>C (p.Leu161Pro)

Gene: KCNQ2 (potassium voltage-gated channel subfamily Q member 2; minus strand). Cytogenetic location: 20q13.33.
Variant type: single nucleotide variant.
Coding change: c.482T>C on transcript NM_172107.4 (MANE Select); coding-DNA position 482, T replaced by C.
Protein change: p.Leu161Pro; replaces leucine 161 with proline.
Molecular consequence: missense variant.
Genome position (GRCh38, 1-based): chr20:63,445,270, A>G on the plus strand (T>C on the coding strand, the complement: KCNQ2 is on the minus strand). VCF-style: chr20-63445270-A-G. GRCh37 (hg19) VCF-style: chr20-62076623-A-G.
Other names: c.482T>C, p.Leu161Pro (NM_172109.3, NM_001382235.1, NM_004518.6 and 2 more transcripts); short protein forms L161P.
Identifiers: ClinVar variation 1307528 (VCV001307528.5), dbSNP rs2145778948, ClinGen allele CA409655188.

ClinVar aggregate classification (germline): Pathogenic (1 of 4 stars; one submission).

Conditions:
KCNQ2-Related Disorders. Also called: KCNQ2-related condition; KCNQ2-related disorder. Identifiers: MedGen CN169299.

Submission:

GeneDx
Classification: Pathogenic. Last evaluated: 2025-03-07. Review status: criteria provided, single submitter. Criteria: GeneDx Variant Classification Process June 2021. Collection method: clinical testing. Allele origin: germline. Affected: yes.
Comment: Not observed at significant frequency in large population cohorts (gnomAD); Predicted to be within the intracellular loop between the S2 and S3 transmembrane segments; In silico analysis supports that this missense variant has a deleterious effect on protein structure/function; This variant is associated with the following publications: (PMID: 31418850)